The following is an entry in ClinVar:

NM_032776.3(JMJD1C):c.4723G>A (p.Val1575Ile)

Gene: JMJD1C (jumonji domain containing 1C; minus strand). Cytogenetic location: 10q21.3.
Variant type: single nucleotide variant.
Coding change: c.4723G>A on transcript NM_032776.3 (MANE Select); coding-DNA position 4723, G replaced by A.
Protein change: p.Val1575Ile; replaces valine 1575 with isoleucine.
Molecular consequence: missense variant. On other transcripts: non-coding transcript variant (1).
Genome position (GRCh38, 1-based): chr10:63,206,946, C>T on the plus strand (G>A on the coding strand, the complement: JMJD1C is on the minus strand). VCF-style: chr10-63206946-C-T. GRCh37 (hg19) VCF-style: chr10-64966706-C-T.
Other names: c.4177G>A, p.Val1393Ile (NM_001282948.2, NM_001318154.2); c.3859G>A, p.Val1287Ile (NM_001318153.2); c.4609G>A, p.Val1537Ile (NM_001322252.2); c.4066G>A, p.Val1356Ile (NM_001322254.2, NM_001322258.2); short protein forms V1356I, V1287I, V1393I, V1575I, V1537I.
Identifiers: ClinVar variation 947650 (VCV000947650.9), dbSNP rs1483418385, ClinGen allele CA377036713.
Genomic context (GRCh38, chr10:63,206,946, plus strand): 5'-GTATATCACTAGATGTAGAGGCTATTAAGTTGACAGAACATGGCTTAATAATTTCTGATA[C>T]AGAATTCCCTGAATTTTCCATTTTATTAGTATTTTTATCTTCTTCTGAGTGTCTGGTGAG-3'
Protein context (NP_116165.1, residues 1565-1585): TNKMENSGNS[Val1575Ile]SEIIKPCSVN

ClinVar aggregate classification (germline): Uncertain significance (1 of 4 stars; one submission).

Conditions:
Early Myoclonic Encephalopathy. Identifiers: MedGen C0270855.

Allele frequency attached by ClinVar (database versions not stated): gnomAD exomes 0.00001 and below 0.00001.
gnomAD v4.1: 10 of 1,612,208 alleles (0.00062%); highest among the groups gnomAD compares: Admixed American, 0.0017%; no homozygotes.

Submission:

Labcorp Genetics (formerly Invitae), Labcorp
Classification: Uncertain significance for Early Myoclonic Encephalopathy. Last evaluated: 2019-06-17. Review status: criteria provided, single submitter. Criteria: Invitae Variant Classification Sherloc (09022015). Collection method: clinical testing. Allele origin: germline.
Comment: This sequence change replaces valine with isoleucine at codon 1575 of the JMJD1C protein (p.Val1575Ile). The valine residue is highly conserved and there is a small physicochemical difference between valine and isoleucine. This variant is not present in population databases (ExAC no frequency). This variant has not been reported in the literature in individuals with JMJD1C-related conditions. Algorithms developed to predict the effect of missense changes on protein structure and function are either unavailable or do not agree on the potential impact of this missense change (SIFT: "Tolerated"; PolyPhen-2: "Possibly Damaging"; Align-GVGD: "Class C0"). In summary, the available evidence is currently insufficient to determine the role of this variant in disease. Therefore, it has been classified as a Variant of Uncertain Significance.